The following is an entry in ClinVar:

ClinVar aggregate classification (germline): Uncertain significance (1 of 4 stars; one submission).

Conditions:
Inborn genetic diseases. Identifiers: MedGen C0950123, MeSH D030342.

Submission:

Ambry Genetics
Classification: Uncertain significance for Inborn genetic diseases. Last evaluated: 2026-03-24. Review status: criteria provided, single submitter. Criteria: Ambry Variant Classification Scheme 2023. Collection method: clinical testing. Allele origin: germline.
Comment: The p.Q2017E variant (also known as c.6049C>G), located in coding exon 23 of the FANCM gene, results from a C to G substitution at nucleotide position 6049. The glutamine at codon 2017 is replaced by glutamic acid, an amino acid with highly similar properties. This amino acid position is conserved. In addition, this alteration is predicted to be tolerated by in silico analysis. Based on the available evidence, the clinical significance of this variant remains unclear.

NM_020937.4(FANCM):c.6049C>G (p.Gln2017Glu)

Gene: FANCM (FA complementation group M; plus strand). Cytogenetic location: 14q21.2.
Variant type: single nucleotide variant.
Coding change: c.6049C>G on transcript NM_020937.4 (MANE Select); coding-DNA position 6049, C replaced by G.
Protein change: p.Gln2017Glu; replaces glutamine 2017 with glutamic acid.
Molecular consequence: missense variant.
Genome position (GRCh38, 1-based): chr14:45,199,910, C>G. VCF-style: chr14-45199910-C-G. GRCh37 (hg19) VCF-style: chr14-45669113-C-G.
Other names: c.5971C>G, p.Gln1991Glu (NM_001308133.2); short protein forms Q2017E, Q1991E.
Identifiers: ClinVar variation 4871044 (VCV004871044.1).